The following is an entry in ClinVar:

NM_000334.4(SCN4A):c.163C>A (p.Arg55=)

Gene: SCN4A (sodium voltage-gated channel alpha subunit 4; minus strand). Cytogenetic location: 17q23.3.
Variant type: single nucleotide variant.
Coding change: c.163C>A on transcript NM_000334.4 (MANE Select); coding-DNA position 163, C replaced by A.
Protein change: p.Arg55=; no amino-acid change (arginine 55 retained).
Molecular consequence: synonymous variant.
Genome position (GRCh38, 1-based): chr17:63,972,679, G>T on the plus strand (C>A on the coding strand, the complement: SCN4A is on the minus strand). VCF-style: chr17-63972679-G-T. GRCh37 (hg19) VCF-style: chr17-62050039-G-T.
Identifiers: ClinVar variation 727425 (VCV000727425.18), dbSNP rs754070476, ClinGen allele CA8710267.
Genomic context (GRCh38, chr17:63,972,679, plus strand): 5'-CCTCCGGCGGGGGGTCTCCGTAGATCATGGGTAGGTTCTTGCCAGCCTCCAAGTCACTTC[G>T]TGGCTTCCGTTCGGGCTCCTCAATCTCCATCTGCTTATTCCGCTGCAGCCGGGCCTCCTC-3'
Protein context (NP_000325.4, residues 45-65): MEIEEPERKP[Arg55=]SDLEAGKNLP

ClinVar aggregate classification (germline): Likely benign. Review status: criteria provided, multiple submitters, no conflicts (2 of 4 stars). 2 submissions from 2 submitters: Likely benign (2). Last evaluated 2025-05-01.

Conditions:
Hyperkalemic periodic paralysis. Also called: Familial hyperkalemic periodic paralysis; Gamstorp disease. Identifiers: Orphanet 682, MedGen C0238357, MONDO:0008224, OMIM 170500, HP:0007215.

Allele frequency attached by ClinVar (database versions not stated): TOPMed 0.00001.
gnomAD v4.1: 7 of 1,613,616 alleles (0.00043%); highest among the groups gnomAD compares: South Asian, 0.0022%; no homozygotes.

Submissions (2):

CeGaT Center for Human Genetics Tuebingen
Classification: Likely benign. Last evaluated: 2025-05-01. Review status: criteria provided, single submitter. Criteria: CeGaT Center For Human Genetics Tuebingen Variant Classification Criteria Version 2. Collection method: clinical testing. Allele origin: germline. Affected: yes. Observed: 1 variant allele.
Comment: SCN4A: BP4, BP7

Labcorp Genetics (formerly Invitae), Labcorp
Classification: Likely benign for Hyperkalemic periodic paralysis. Last evaluated: 2022-11-12. Review status: criteria provided, single submitter. Criteria: Invitae Variant Classification Sherloc (09022015). Collection method: clinical testing. Allele origin: germline.